The following is an entry in ClinVar:

NM_021620.4(PRDM13):c.1259A>G (p.Tyr420Cys)

Gene: PRDM13 (PR/SET domain 13; plus strand). Cytogenetic location: 6q16.2.
Variant type: single nucleotide variant.
Coding change: c.1259A>G on transcript NM_021620.4 (MANE Select); coding-DNA position 1259, A replaced by G.
Protein change: p.Tyr420Cys; replaces tyrosine 420 with cysteine.
Molecular consequence: missense variant.
Genome position (GRCh38, 1-based): chr6:99,613,894, A>G. VCF-style: chr6-99613894-A-G. GRCh37 (hg19) VCF-style: chr6-100061770-A-G.
Other names: short protein forms Y420C.
Identifiers: ClinVar variation 4731615 (VCV004731615.1).
Genomic context (GRCh38, chr6:99,613,894, plus strand): 5'-CCGCCTTCAAGCACGTGGAGCGCGCCCCGCCCGCAGCCGCCGCGCTGCCAGGAGCGCGTT[A>G]TGCGCAGCTGCCCCCTGCGCCGGGGTTGCCCCTCGAGCGCTGCGCGCTGCCGCCCCTCGA-3'
Protein context (NP_067633.2, residues 410-430): PAAAALPGAR[Tyr420Cys]AQLPPAPGLP

ClinVar aggregate classification (germline): Uncertain significance (1 of 4 stars; one submission).

Submission:

Labcorp Genetics (formerly Invitae), Labcorp
Classification: Uncertain significance. Last evaluated: 2025-11-20. Review status: criteria provided, single submitter. Criteria: Invitae Variant Classification Sherloc (09022015). Collection method: clinical testing. Allele origin: germline.
Comment: This sequence change replaces tyrosine, which is neutral and polar, with cysteine, which is neutral and slightly polar, at codon 420 of the PRDM13 protein (p.Tyr420Cys). This variant is not present in population databases (gnomAD no frequency). This variant has not been reported in the literature in individuals affected with PRDM13-related conditions. An algorithm developed to predict the effect of missense changes on protein structure and function outputs the following: PolyPhen-2: "Benign". The cysteine amino acid residue is found in multiple mammalian species, which suggests that this missense change does not adversely affect protein function. In summary, the available evidence is currently insufficient to determine the role of this variant in disease. Therefore, it has been classified as a Variant of Uncertain Significance.